The following is an entry in ClinVar:

NM_013450.4(BAZ2B):c.2267A>T (p.Glu756Val)

Gene: BAZ2B (bromodomain adjacent to zinc finger domain 2B; minus strand). Cytogenetic location: 2q24.2.
Variant type: single nucleotide variant.
Coding change: c.2267A>T on transcript NM_013450.4 (MANE Select); coding-DNA position 2267, A replaced by T.
Protein change: p.Glu756Val; replaces glutamic acid 756 with valine.
Molecular consequence: missense variant.
Genome position (GRCh38, 1-based): chr2:159,428,408, T>A on the plus strand (A>T on the coding strand, the complement: BAZ2B is on the minus strand). VCF-style: chr2-159428408-T-A. GRCh37 (hg19) VCF-style: chr2-160284919-T-A.
Other names: c.2261A>T, p.Glu754Val (NM_001289975.1); c.2078A>T, p.Glu693Val (NM_001329857.2); c.2267A>T, p.Glu756Val (NM_001329858.2); short protein forms E693V, E754V, E756V.
Identifiers: ClinVar variation 3381730 (VCV003381730.1).
Genomic context (GRCh38, chr2:159,428,408, plus strand): 5'-CATGGAGCATAATATGCTACTTCTCCTTGAAGGCGCCCTCCAAAGTTTCTTATTCTTGTC[T>A]CTCTCTGCCAGCTACACATAACAGAAATGAAGGTTATGACATACTTAATTTCAAGAAAGC-3'
Protein context (NP_038478.2, residues 746-766): RIPLEYGWQR[Glu756Val]TRIRNFGGRL

ClinVar aggregate classification (germline): Uncertain significance (1 of 4 stars; one submission).

Submission:

GeneDx
Classification: Uncertain significance. Last evaluated: 2024-05-21. Review status: criteria provided, single submitter. Criteria: GeneDx Variant Classification Process June 2021. Collection method: clinical testing. Allele origin: germline. Affected: yes.
Comment: Not observed at significant frequency in large population cohorts (gnomAD); In silico analysis supports that this missense variant has a deleterious effect on protein structure/function; Has not been previously published as pathogenic or benign to our knowledge